The following is an entry in ClinVar:

ClinVar aggregate classification (germline): Uncertain significance (1 of 4 stars; one submission).

gnomAD v4.1: 2 of 1,613,758 alleles (0.00012%); highest among the groups gnomAD compares: Admixed American, 0.0033%; 1 homozygote.

Submission:

Labcorp Genetics (formerly Invitae), Labcorp
Classification: Uncertain significance. Last evaluated: 2024-02-23. Review status: criteria provided, single submitter. Criteria: Invitae Variant Classification Sherloc (09022015). Collection method: clinical testing. Allele origin: germline.
Comment: This sequence change replaces arginine, which is basic and polar, with glycine, which is neutral and non-polar, at codon 194 of the C9 protein (p.Arg194Gly). This variant is not present in population databases (gnomAD no frequency). This variant has not been reported in the literature in individuals affected with C9-related conditions. Advanced modeling of protein sequence and biophysical properties (such as structural, functional, and spatial information, amino acid conservation, physicochemical variation, residue mobility, and thermodynamic stability) performed at Invitae indicates that this missense variant is expected to disrupt C9 protein function with a positive predictive value of 80%. In summary, the available evidence is currently insufficient to determine the role of this variant in disease. Therefore, it has been classified as a Variant of Uncertain Significance.

NM_001737.5(C9):c.580C>G (p.Arg194Gly)

Gene: C9 (complement C9; minus strand). Cytogenetic location: 5p13.1.
Variant type: single nucleotide variant.
Coding change: c.580C>G on transcript NM_001737.5 (MANE Select); coding-DNA position 580, C replaced by G.
Protein change: p.Arg194Gly; replaces arginine 194 with glycine.
Molecular consequence: missense variant.
Genome position (GRCh38, 1-based): chr5:39,331,711, G>C on the plus strand (C>G on the coding strand, the complement: C9 is on the minus strand). VCF-style: chr5-39331711-G-C. GRCh37 (hg19) VCF-style: chr5-39331813-G-C.
Other names: short protein forms R194G.
Identifiers: ClinVar variation 2817657 (VCV002817657.3), dbSNP rs146217095, ClinGen allele CA359561529.